The following is an entry in ClinVar:

ClinVar aggregate classification (germline): Uncertain significance (1 of 4 stars; one submission).

gnomAD v4.1: 7 of 1,613,902 alleles (0.00043%); highest among the groups gnomAD compares: Non-Finnish European, 0.00059%; 1 homozygote.

Submission:

Labcorp Genetics (formerly Invitae), Labcorp
Classification: Uncertain significance. Last evaluated: 2024-01-22. Review status: criteria provided, single submitter. Criteria: Invitae Variant Classification Sherloc (09022015). Collection method: clinical testing. Allele origin: germline.
Comment: This sequence change creates a premature translational stop signal (p.Glu8*) in the SLC44A4 gene. It is expected to result in an absent or disrupted protein product. However, the current clinical and genetic evidence is not sufficient to establish whether loss-of-function variants in SLC44A4 cause disease. This variant is not present in population databases (gnomAD no frequency). This variant has not been reported in the literature in individuals affected with SLC44A4-related conditions. In summary, the available evidence is currently insufficient to determine the role of this variant in disease. Therefore, it has been classified as a Variant of Uncertain Significance.

NM_025257.3(SLC44A4):c.22G>T (p.Glu8Ter)

Genes: EHMT2-AS1 (EHMT2 and SLC44A4 antisense RNA 1; plus strand), SLC44A4 (solute carrier family 44 member 4; minus strand). Cytogenetic location: 6p21.33.
Variant type: single nucleotide variant.
Coding change: c.22G>T on transcript NM_025257.3 (MANE Select); coding-DNA position 22, G replaced by T.
Protein change: p.Glu8Ter; replaces glutamic acid 8 with a stop codon.
Molecular consequence: nonsense.
Genome position (GRCh38, 1-based): chr6:31,878,959, C>A on the plus strand (G>T on the coding strand, the complement: SLC44A4 is on the minus strand). VCF-style: chr6-31878959-C-A. GRCh37 (hg19) VCF-style: chr6-31846736-C-A.
Other names: c.22G>T, p.Glu8Ter (NM_001178044.2); short protein forms E8*.
Identifiers: ClinVar variation 3699165 (VCV003699165.2).